The following is an entry in ClinVar:

ClinVar aggregate classification (germline): Uncertain significance (1 of 4 stars; one submission).

Allele frequency attached by ClinVar (database versions not stated): gnomAD exomes below 0.00001.
gnomAD v4.1: 1 of 1,613,324 alleles (0.000062%); highest among the groups gnomAD compares: Non-Finnish European, 0.000085%; no homozygotes.

Submission:

Labcorp Genetics (formerly Invitae), Labcorp
Classification: Uncertain significance. Last evaluated: 2023-03-07. Review status: criteria provided, single submitter. Criteria: Invitae Variant Classification Sherloc (09022015). Collection method: clinical testing. Allele origin: germline.
Comment: This variant has not been reported in the literature in individuals affected with CHD8-related conditions. This variant is not present in population databases (gnomAD no frequency). This sequence change affects codon 1599 of the CHD8 mRNA. It is a 'silent' change, meaning that it does not change the encoded amino acid sequence of the CHD8 protein. Algorithms developed to predict the effect of sequence changes on RNA splicing suggest that this variant may create or strengthen a splice site. In summary, the available evidence is currently insufficient to determine the role of this variant in disease. Therefore, it has been classified as a Variant of Uncertain Significance.

NM_001170629.2(CHD8):c.4797G>A (p.Val1599=)

Gene: CHD8 (chromodomain helicase DNA binding protein 8; minus strand). Cytogenetic location: 14q11.2.
Variant type: single nucleotide variant.
Coding change: c.4797G>A on transcript NM_001170629.2 (MANE Select); coding-DNA position 4797, G replaced by A.
Protein change: p.Val1599=; no amino-acid change (valine 1599 retained).
Molecular consequence: synonymous variant.
Genome position (GRCh38, 1-based): chr14:21,400,001, C>T on the plus strand (G>A on the coding strand, the complement: CHD8 is on the minus strand). VCF-style: chr14-21400001-C-T. GRCh37 (hg19) VCF-style: chr14-21868160-C-T.
Other names: c.3960G>A, p.Val1320= (NM_020920.4).
Identifiers: ClinVar variation 2842570 (VCV002842570.3), dbSNP rs2501886420, ClinGen allele CA485002129.